The following is an entry in ClinVar:

NM_007294.4(BRCA1):c.3784T>C (p.Ser1262Pro)

Genes: BRCA1 (BRCA1 DNA repair associated; minus strand), LOC126862571 (BRD4-independent group 4 enhancer GRCh37_chr17:41243136-41244335; plus strand). Cytogenetic location: 17q21.31.
Variant type: single nucleotide variant.
Coding change: c.3784T>C on transcript NM_007294.4 (MANE Select); coding-DNA position 3784, T replaced by C.
Protein change: p.Ser1262Pro; replaces serine 1262 with proline.
Molecular consequence: missense variant. On other transcripts: intron variant (135).
Genome position (GRCh38, 1-based): chr17:43,091,747, A>G on the plus strand (T>C on the coding strand, the complement: BRCA1 is on the minus strand). VCF-style: chr17-43091747-A-G. GRCh37 (hg19) VCF-style: chr17-41243764-A-G.
Other names: c.3571T>C, p.Ser1191Pro (NM_001407571.1, NM_001407853.1, NM_001407894.1 and 9 more transcripts); c.3784T>C, p.Ser1262Pro (NM_001407581.1, NM_001407582.1, NM_001407583.1 and 30 more transcripts); c.3781T>C, p.Ser1261Pro (NM_001407587.1, NM_001407590.1, NM_001407591.1 and 22 more transcripts); c.3775T>C, p.Ser1259Pro (NM_001407646.1, NM_001407647.1); c.3661T>C, p.Ser1221Pro (NM_001407648.1, NM_001407664.1, NM_001407665.1 and 19 more transcripts); c.3658T>C, p.Ser1220Pro (NM_001407649.1, NM_001407670.1, NM_001407671.1 and 11 more transcripts); c.3706T>C, p.Ser1236Pro (NM_001407653.1, NM_001407654.1, NM_001407655.1 and 4 more transcripts); c.3703T>C, p.Ser1235Pro (NM_001407659.1, NM_001407660.1, NM_001407661.1 and 1 more transcripts); and 41 more; short protein forms S1262P, S1215P, S1151P, S1191P, S1221P, S1235P, S1236P, S1135P.
Identifiers: ClinVar variation 481459 (VCV000481459.24), dbSNP rs1011096937, ClinGen allele CA10594403.

ClinVar aggregate classification (germline): Conflicting classifications of pathogenicity. Review status: criteria provided, conflicting classifications (1 of 4 stars). 6 submissions from 6 submitters: Uncertain significance (3); Likely benign (2). 1 of the submissions does not count toward it. Last evaluated 2025-07-10.

Conditions:
Hereditary cancer-predisposing syndrome. Also called: Hereditary Cancer Syndrome; Neoplastic Syndromes, Hereditary; Tumor predisposition; Hereditary neoplastic syndrome. Identifiers: Orphanet 140162, MedGen C0027672, MeSH D009386, MONDO:0015356.
Hereditary breast ovarian cancer syndrome. Also called: Hereditary breast and ovarian cancer syndrome; Hereditary breast and ovarian cancer; Hereditary breast and ovarian cancer syndrome (HBOC); Breast and ovarian cancer; Hereditary breast and/or ovarian cancer syndrome; BRCA1- and BRCA2-Associated Hereditary Breast and Ovarian Cancer. Identifiers: Orphanet 145, MedGen C0677776, MeSH D061325, MONDO:0003582. Disease mechanism: loss of function.
Malignant tumor of breast. Also called: Malignant breast neoplasm; Cancer breast. Identifiers: MedGen C0006142, MONDO:0007254. Disease mechanism: loss of function.

Allele frequency attached by ClinVar (database versions not stated): gnomAD exomes below 0.00001; gnomAD 0.00001; TOPMed 0.00002.
gnomAD v4.1: 3 of 1,614,118 alleles (0.00019%); highest among the groups gnomAD compares: Non-Finnish European, 0.00025%; no homozygotes.

Submissions (6):

Color Diagnostics, LLC DBA Color Health
Classification: Likely benign for Hereditary cancer-predisposing syndrome. Last evaluated: 2025-07-10. Review status: criteria provided, single submitter. Criteria: ACMG Guidelines, 2015. Collection method: clinical testing. Allele origin: germline.

Labcorp Genetics (formerly Invitae), Labcorp
Classification: Uncertain significance for Hereditary breast ovarian cancer syndrome. Last evaluated: 2025-05-23. Review status: criteria provided, single submitter. Criteria: Invitae Variant Classification Sherloc (09022015). Collection method: clinical testing. Allele origin: germline.
Comment: This sequence change replaces serine, which is neutral and polar, with proline, which is neutral and non-polar, at codon 1262 of the BRCA1 protein (p.Ser1262Pro). This variant is not present in population databases (gnomAD no frequency). This missense change has been observed in individual(s) with hereditary breast and ovarian cancer (PMID: 27376475). ClinVar contains an entry for this variant (Variation ID: 481459). Invitae Evidence Modeling of protein sequence and biophysical properties (such as structural, functional, and spatial information, amino acid conservation, physicochemical variation, residue mobility, and thermodynamic stability) indicates that this missense variant is not expected to disrupt BRCA1 protein function with a negative predictive value of 80%. In summary, the available evidence is currently insufficient to determine the role of this variant in disease. Therefore, it has been classified as a Variant of Uncertain Significance.

Ambry Genetics
Classification: Uncertain significance for Hereditary cancer-predisposing syndrome. Last evaluated: 2024-05-24. Review status: criteria provided, single submitter. Criteria: Ambry Variant Classification Scheme 2023. Collection method: clinical testing. Allele origin: germline.
Comment: The p.S1262P variant (also known as c.3784T>C), located in coding exon 9 of the BRCA1 gene, results from a T to C substitution at nucleotide position 3784. The serine at codon 1262 is replaced by proline, an amino acid with similar properties. This alteration has been detected in a patient with a personal or family history of breast and/or ovarian cancer (Schenkel LC et al. J Mol Diagn. 2016 Jul 1). This amino acid position is not well conserved in available vertebrate species. In addition, the in silico prediction for this alteration is inconclusive. Since supporting evidence is limited at this time, the clinical significance of this alteration remains unclear.

University of Washington Department of Laboratory Medicine, University of Washington
Classification: Likely benign for Hereditary cancer-predisposing syndrome. Last evaluated: 2023-03-23. Review status: criteria provided, single submitter. Criteria: Dines et al. (Genet Med. 2020). Collection method: curation. Allele origin: germline.
Comment: Missense variant in a coldspot region where missense variants are very unlikely to be pathogenic (PMID:31911673).

BRCA1 coldspot (exon 11 using historical exon numbering). Reclassification based on statistical prior probability

Women's Health and Genetics/Laboratory Corporation of America, LabCorp
Classification: Uncertain significance. Last evaluated: 2022-02-28. Review status: criteria provided, single submitter. Criteria: LabCorp Variant Classification Summary - May 2015. Collection method: clinical testing. Allele origin: germline.
Comment: Variant summary: BRCA1 c.3784T>C (p.Ser1262Pro) results in a non-conservative amino acid change in the encoded protein sequence. Four of five in-silico tools predict a benign effect of the variant on protein function. The variant was absent in 251204 control chromosomes (gnomAD). The available data on variant occurrences in the general population are insufficient to allow any conclusion about variant significance. c.3784T>C has been reported in the literature in at least one individual affected with Hereditary Breast And Ovarian Cancer Syndrome (Schenkel_2016). This report does not provide unequivocal conclusions about association of the variant with Hereditary Breast And Ovarian Cancer Syndrome. To our knowledge, no experimental evidence demonstrating an impact on protein function has been reported. Three ClinVar submitters have assessed the variant since 2014: all have classified the variant as of uncertain significance. Based on the evidence outlined above, the variant was classified as uncertain significance.

Department of Pathology and Laboratory Medicine, Sinai Health System
Classification: Uncertain significance for Malignant tumor of breast. Review status: no assertion criteria provided. Collection method: clinical testing. Allele origin: unknown. Affected: yes. Study: The Canadian Open Genetics Repository (COGR). Not counted in ClinVar's aggregate classification.
Comment: The BRCA1 p.Ser1262Pro variant was identified in 1 of 480 proband chromosomes (frequency: 0.002) from individuals or families with breast or ovarian cancer (Schenkel 2016). The variant was also identified in dbSNP (ID: rs1011096937), and in ClinVar (classified as uncertain significance by Invitae and Ambry Genetics). The variant was not identified in LOVD 3.0, or UMD-LSDB. The variant was not identified in the following control databases: the Exome Aggregation Consortium (August 8th 2016), or the Genome Aggregation Database (Feb 27, 2017). The p.Ser1262 residue is not conserved in mammals and four out of five computational analyses (PolyPhen-2, SIFT, AlignGVGD, BLOSUM, MutationTaster) do not suggest a high likelihood of impact to the protein; however, this information is not predictive enough to rule out pathogenicity. The variant occurs outside of the splicing consensus sequence and in silico or computational prediction software programs (SpliceSiteFinder, MaxEntScan, NNSPLICE, GeneSplicer) do not predict a difference in splicing. In summary, based on the above information the clinical significance of this variant cannot be determined with certainty at this time. This variant is classified as a variant of uncertain significance.

Literature cited by the submitters: PubMed 27376475 (cited by 3 submitters); PubMed 33233347 (cited by Women's Health and Genetics/Laboratory Corporation of America, LabCorp).